The following is an entry in ClinVar:

NM_021971.4(GMPPB):c.987C>T (p.Asp329=)

Gene: GMPPB (GDP-mannose pyrophosphorylase B; minus strand). Cytogenetic location: 3p21.31.
Variant type: single nucleotide variant.
Coding change: c.987C>T on transcript NM_021971.4 (MANE Select); coding-DNA position 987, C replaced by T.
Protein change: p.Asp329=; no amino-acid change (aspartic acid 329 retained).
Molecular consequence: synonymous variant.
Genome position (GRCh38, 1-based): chr3:49,721,848, G>A on the plus strand (C>T on the coding strand, the complement: GMPPB is on the minus strand). VCF-style: chr3-49721848-G-A. GRCh37 (hg19) VCF-style: chr3-49759281-G-A.
Other names: c.1068C>T (NM_013334.3); c.1068C>T, p.Asp356= (NM_013334.4).
Identifiers: ClinVar variation 1125891 (VCV001125891.10), dbSNP rs541447888, ClinGen allele CA2405368.

ClinVar aggregate classification (germline): Likely benign. Review status: criteria provided, multiple submitters, no conflicts (2 of 4 stars). 4 submissions from 4 submitters: Likely benign (3). 1 of the submissions does not count toward it. Last evaluated 2026-01-23.

Conditions:
GMPPB-related disorder. Also called: GMPPB-related disorders; GMPPB-related condition.
Autosomal recessive limb-girdle muscular dystrophy type 2T. Also called: Limb-girdle muscular dystrophy-dystroglycanopathy, type C14; MUSCULAR DYSTROPHY-DYSTROGLYCANOPATHY, LIMB-GIRDLE, GMPPB-RELATED; MUSCULAR DYSTROPHY, LIMB-GIRDLE, TYPE 2T; Muscular dystrophy-dystroglycanopathy (limb-girdle), type c, 14. Identifiers: Orphanet 363623, MedGen C4518000, MONDO:0014142, OMIM 615352.
Muscular dystrophy-dystroglycanopathy (congenital with impaired intellectual development), type B, 14. Also called: Congenital muscular dystrophy-dystroglycanopathy with mental retardation, type B14; Muscular dystrophy-dystroglycanopathy (congenital with intellectual disability), type B14; MUSCULAR DYSTROPHY, CONGENITAL, GMPPB-RELATED. Identifiers: MedGen C3809221, MONDO:0014141, OMIM 615351.
Muscular dystrophy-dystroglycanopathy (congenital with brain and eye anomalies), type A14. Also called: Congenital Muscular Dystrophy-Dystroglycanopathy with Brain and Eye Anomalies Type A 14; Congenital muscular dystrophy-dystroglycanopathy with brain and eye anomalies, type A14; Muscular dystrophy-dystroglycanopathy (congenital with brain and eye anomalies), type a, 14; WALKER-WARBURG SYNDROME OR MUSCLE-EYE-BRAIN DISEASE, GMPPB-RELATED. Identifiers: Orphanet 588, MedGen C3809216, MONDO:0014140, OMIM 615350.

Allele frequency attached by ClinVar (database versions not stated): ExAC 0.00002; gnomAD 0.00001; gnomAD exomes 0.00001; TOPMed 0.00002; 1000 Genomes Project 0.00020; 1000 Genomes Project 30x 0.00031.
gnomAD v4.1: 31 of 1,613,794 alleles (0.0019%); highest among the groups gnomAD compares: East Asian, 0.011%; no homozygotes.

Submissions (4):

Labcorp Genetics (formerly Invitae), Labcorp
Classification: Likely benign for Autosomal recessive limb-girdle muscular dystrophy type 2T; Muscular dystrophy-dystroglycanopathy (congenital with brain and eye anomalies), type A14; Muscular dystrophy-dystroglycanopathy (congenital with impaired intellectual development), type B, 14. Last evaluated: 2026-01-23. Review status: criteria provided, single submitter. Criteria: Invitae Variant Classification Sherloc (09022015). Collection method: clinical testing. Allele origin: germline.

Blueprint Genetics
Classification: Likely benign. Last evaluated: 2024-05-16. Review status: criteria provided, single submitter. Criteria: ACMG Guidelines, 2015. Collection method: clinical testing. Allele origin: germline.

Breakthrough Genomics
Classification: Likely benign. Review status: criteria provided, single submitter. Criteria: ACMG Guidelines, 2015. Collection method: not provided. Allele origin: germline. Inheritance: Autosomal recessive inheritance. Affected: yes.

PreventionGenetics, part of Exact Sciences
Classification: Likely benign for GMPPB-related condition. Last evaluated: 2024-06-17. Review status: no assertion criteria provided. Collection method: clinical testing. Allele origin: germline. Not counted in ClinVar's aggregate classification.
Comment: This variant is classified as likely benign based on ACMG/AMP sequence variant interpretation guidelines (Richards et al. 2015 PMID: 25741868, with internal and published modifications).